The following is an entry in ClinVar:

NM_014697.3(NOS1AP):c.1003G>A (p.Val335Met)

Gene: NOS1AP (nitric oxide synthase 1 adaptor protein; plus strand). Cytogenetic location: 1q23.3.
Variant type: single nucleotide variant.
Coding change: c.1003G>A on transcript NM_014697.3 (MANE Select); coding-DNA position 1003, G replaced by A.
Protein change: p.Val335Met; replaces valine 335 with methionine.
Molecular consequence: missense variant.
Genome position (GRCh38, 1-based): chr1:162,365,467, G>A. VCF-style: chr1-162365467-G-A. GRCh37 (hg19) VCF-style: chr1-162335257-G-A.
Other names: c.118G>A, p.Val40Met (NM_001126060.2); c.988G>A, p.Val330Met (NM_001164757.2); short protein forms V330M, V335M, V40M.
Identifiers: ClinVar variation 722919 (VCV000722919.5), dbSNP rs142303407, ClinGen allele CA1215688.
Genomic context (GRCh38, chr1:162,365,467, plus strand): 5'-CACTTGCTGAAGGACCAGTTGGCTGCTGAGGCTGCGGCGCGGCTGGAGGCCCAGGCTCGC[G>A]TGCATCAGCTTTTGCTGCAGAACAAGGACATGCTCCAGCACATCTCCCTGCTGGTCAAGC-3'
Protein context (NP_055512.1, residues 325-345): AAARLEAQAR[Val335Met]HQLLLQNKDM

ClinVar aggregate classification (germline): Likely benign. Review status: criteria provided, single submitter (1 of 4 stars). 2 submissions from 2 submitters: Likely benign (1). 1 of the submissions does not count toward it. Last evaluated 2018-07-13.

Conditions:
NOS1AP-related disorder. Also called: NOS1AP-related condition.

Allele frequency attached by ClinVar (database versions not stated): gnomAD exomes 0.00010 and 0.00026; gnomAD 0.00098 and 0.00105; ESP Exome Variant Server 0.00146; ExAC 0.00033; 1000 Genomes Project 0.00100; TOPMed 0.00088; 1000 Genomes Project 30x 0.00094.
gnomAD v4.1: 303 of 1,613,998 alleles (0.019%); highest among the groups gnomAD compares: African/African-American, 0.33%; 1 homozygote.

Submissions (2):

Labcorp Genetics (formerly Invitae), Labcorp
Classification: Likely benign. Last evaluated: 2018-07-13. Review status: criteria provided, single submitter. Criteria: Invitae Variant Classification Sherloc (09022015). Collection method: clinical testing. Allele origin: germline.

PreventionGenetics, part of Exact Sciences
Classification: Likely benign for NOS1AP-related condition. Last evaluated: 2023-04-25. Review status: no assertion criteria provided. Collection method: clinical testing. Allele origin: germline. Not counted in ClinVar's aggregate classification.
Comment: This variant is classified as likely benign based on ACMG/AMP sequence variant interpretation guidelines (Richards et al. 2015 PMID: 25741868, with internal and published modifications).